The following is an entry in ClinVar:

NM_018129.4(PNPO):c.777T>C (p.Leu259=)

Gene: PNPO (pyridoxamine 5'-phosphate oxidase; plus strand). Cytogenetic location: 17q21.32.
Variant type: single nucleotide variant.
Coding change: c.777T>C on transcript NM_018129.4 (MANE Select); coding-DNA position 777, T replaced by C.
Protein change: p.Leu259=; no amino-acid change (leucine 259 retained).
Molecular consequence: synonymous variant.
Genome position (GRCh38, 1-based): chr17:47,946,773, T>C. VCF-style: chr17-47946773-T-C. GRCh37 (hg19) VCF-style: chr17-46024139-T-C.
Identifiers: ClinVar variation 378405 (VCV000378405.37), dbSNP rs142461702, ClinGen allele CA8629277.

ClinVar aggregate classification (germline): Benign/Likely benign. Review status: criteria provided, multiple submitters, no conflicts (2 of 4 stars). 5 submissions from 5 submitters: Benign (1); Likely benign (4). Last evaluated 2025-12-16.

Conditions:
PNPO-related disorder. Also called: PNPO-related disorders; PNPO-related condition.
Inborn genetic diseases. Identifiers: MedGen C0950123, MeSH D030342.
Pyridoxal phosphate-responsive seizures (PNPOD). Also called: Pyridoxamine 5-Prime-Phosphate Oxidase Deficiency; SEIZURES, PYRIDOXINE-RESISTANT, PLP-SENSITIVE; Pyridoxine-5'-phosphate oxidase deficiency; Pyridoxal 5'-Phosphate (PLP)-Dependent Epilepsy; EPILEPTIC ENCEPHALOPATHY, NEONATAL, PNPO-RELATED. Identifiers: Orphanet 79096, MedGen C1864723, MONDO:0012407, OMIM 610090. Disease mechanism: loss of function.

Allele frequency attached by ClinVar (database versions not stated): ExAC 0.00004; TOPMed 0.00005; gnomAD exomes 0.00006; gnomAD 0.00007; ESP Exome Variant Server 0.00008.
gnomAD v4.1: 217 of 1,613,980 alleles (0.013%); highest among the groups gnomAD compares: Non-Finnish European, 0.017%; no homozygotes.

Submissions (5):

Labcorp Genetics (formerly Invitae), Labcorp
Classification: Likely benign for Pyridoxal phosphate-responsive seizures. Last evaluated: 2025-12-16. Review status: criteria provided, single submitter. Criteria: Invitae Variant Classification Sherloc (09022015). Collection method: clinical testing. Allele origin: germline.

PreventionGenetics, part of Exact Sciences
Classification: Likely benign for PNPO-related condition. Last evaluated: 2025-10-15. Review status: criteria provided, single submitter. Criteria: ACMG Guidelines, 2015. Collection method: clinical testing. Allele origin: germline.
Comment: This variant is classified as likely benign based on ACMG/AMP sequence variant interpretation guidelines (Richards et al. 2015 PMID: 25741868, with internal and published modifications).

CeGaT Center for Human Genetics Tuebingen
Classification: Likely benign. Last evaluated: 2023-09-01. Review status: criteria provided, single submitter. Criteria: CeGaT Center For Human Genetics Tuebingen Variant Classification Criteria Version 2. Collection method: clinical testing. Allele origin: germline. Affected: yes. Observed: 1 variant allele.
Comment: PNPO: BP4, BP7

Ambry Genetics
Classification: Likely benign for Inborn genetic diseases. Last evaluated: 2020-03-30. Review status: criteria provided, single submitter. Criteria: Ambry Variant Classification Scheme 2023. Collection method: clinical testing. Allele origin: germline.

GeneDx
Classification: Benign. Last evaluated: 2015-09-01. Review status: criteria provided, single submitter. Criteria: GeneDx Variant Classification (06012015). Collection method: clinical testing. Allele origin: germline. Affected: yes.
Comment: This variant is considered likely benign or benign based on one or more of the following criteria: it is a conservative change, it occurs at a poorly conserved position in the protein, it is predicted to be benign by multiple in silico algorithms, and/or has population frequency not consistent with disease.